The following is an entry in ClinVar:

NM_003072.5(SMARCA4):c.1352G>C (p.Arg451Pro)

Gene: SMARCA4 (SWI/SNF related BAF chromatin remodeling complex subunit ATPase 4; plus strand). Cytogenetic location: 19p13.2.
Variant type: single nucleotide variant.
Coding change: c.1352G>C on transcript NM_003072.5 (MANE Select); coding-DNA position 1352, G replaced by C.
Protein change: p.Arg451Pro; replaces arginine 451 with proline.
Molecular consequence: missense variant. On other transcripts: non-coding transcript variant (1).
Genome position (GRCh38, 1-based): chr19:10,991,256, G>C. VCF-style: chr19-10991256-G-C. GRCh37 (hg19) VCF-style: chr19-11101932-G-C.
Other names: c.1352G>C, p.Arg451Pro (NM_001128844.3, NM_001128845.2, NM_001128846.2 and 4 more transcripts); short protein forms R451P.
Identifiers: ClinVar variation 985830 (VCV000985830.4), dbSNP rs2086534991, ClinGen allele CA404060888.

ClinVar aggregate classification (germline): Likely pathogenic (1 of 4 stars; one submission).

Conditions:
Hereditary cancer-predisposing syndrome. Also called: Tumor predisposition; Hereditary Cancer Syndrome; Hereditary neoplastic syndrome; Neoplastic Syndromes, Hereditary. Identifiers: Orphanet 140162, MedGen C0027672, MeSH D009386, MONDO:0015356.

Submission:

Ambry Genetics
Classification: Likely pathogenic for Hereditary cancer-predisposing syndrome. Last evaluated: 2026-06-22. Review status: criteria provided, single submitter. Criteria: Ambry Variant Classification Scheme 2023. Collection method: clinical testing. Allele origin: germline.
Comment: The c.1352G>C (p.R451P) alteration is located in exon 8 (coding exon 7) of the SMARCA4 gene. This alteration results from a G to C substitution at nucleotide position 1352, causing the arginine (R) at amino acid position 451 to be replaced by a proline (P). for Coffin-Siris syndrome; however, its clinical significance for rhabdoid tumor predisposition syndrome is uncertain. This variant was not reported in population-based cohorts in the Genome Aggregation Database (gnomAD). Another variant at the same codon, c.1351C>T (p.R451C), has been identified in individual(s) with features consistent with Coffin-Siris syndrome (Li, 2020; Ambry internal data). This amino acid position is highly conserved in available vertebrate species. This missense variant is located in a region that has a low rate of benign missense variation (Lek, 2016; Firth, 2009). This alteration is predicted to be deleterious by in silico analysis. Based on the available evidence, this alteration is classified as likely pathogenic.

Literature cited by the submitters: PubMed 23929686; PubMed 24658004; PubMed 25168959; PubMed 32686290.